The following is an entry in ClinVar:

NM_015335.5(MED13L):c.124G>T (p.Asp42Tyr)

Gene: MED13L (mediator complex subunit 13L; minus strand). Cytogenetic location: 12q24.21.
Variant type: single nucleotide variant.
Coding change: c.124G>T on transcript NM_015335.5 (MANE Select); coding-DNA position 124, G replaced by T.
Protein change: p.Asp42Tyr; replaces aspartic acid 42 with tyrosine.
Molecular consequence: missense variant.
Genome position (GRCh38, 1-based): chr12:116,237,654, C>A on the plus strand (G>T on the coding strand, the complement: MED13L is on the minus strand). VCF-style: chr12-116237654-C-A. GRCh37 (hg19) VCF-style: chr12-116675459-C-A.
Other names: short protein forms D42Y.
Identifiers: ClinVar variation 1440477 (VCV001440477.6), dbSNP rs1247142719, ClinGen allele CA386927615.

ClinVar aggregate classification (germline): Uncertain significance (1 of 4 stars; one submission).

Conditions:
Dextro-looped transposition of the great arteries. Also called: Dextrotransposition of the great arteries. Identifiers: Orphanet 860, MedGen C3531771, MONDO:0019443, OMIM 608808, HP:0031348.

gnomAD v4.1: 11 of 1,614,176 alleles (0.00068%); highest among the groups gnomAD compares: Non-Finnish European, 0.00085%; no homozygotes.

Submission:

Labcorp Genetics (formerly Invitae), Labcorp
Classification: Uncertain significance for Dextro-looped transposition of the great arteries. Last evaluated: 2021-05-20. Review status: criteria provided, single submitter. Criteria: Invitae Variant Classification Sherloc (09022015). Collection method: clinical testing. Allele origin: germline.
Comment: This variant is not present in population databases (ExAC no frequency). This sequence change replaces aspartic acid with tyrosine at codon 42 of the MED13L protein (p.Asp42Tyr). The aspartic acid residue is weakly conserved and there is a large physicochemical difference between aspartic acid and tyrosine. This variant has not been reported in the literature in individuals with MED13L-related conditions. Algorithms developed to predict the effect of missense changes on protein structure and function are either unavailable or do not agree on the potential impact of this missense change (SIFT: "Deleterious"; PolyPhen-2: "Not Available"; Align-GVGD: "Class C0"). Algorithms developed to predict the effect of sequence changes on RNA splicing suggest that this variant may create or strengthen a splice site, but this prediction has not been confirmed by published transcriptional studies. In summary, the available evidence is currently insufficient to determine the role of this variant in disease. Therefore, it has been classified as a Variant of Uncertain Significance.